The following is an entry in ClinVar:

ClinVar aggregate classification (germline): Pathogenic (0 of 4 stars; one submission).

Conditions:
Familial cancer of breast. Also called: BREAST CANCER, FAMILIAL; Hereditary breast cancer; hereditary breast carcinoma. Identifiers: Orphanet 227535, MedGen C0346153, MONDO:0016419, OMIM 114480. Disease mechanism: loss of function.

Submission:

Leiden Open Variation Database
Classification: Pathogenic for Familial cancer of breast. Last evaluated: 2019-05-13. Review status: no assertion criteria provided. Collection method: curation. Allele origin: germline. Affected: yes.
Comment: Curators: Marc Tischkowitz, Arleen D. Auerbach. Submitter to LOVD: Marc Tischkowitz.

Literature cited by the submitters: PubMed 24136930.

NM_024675.4(PALB2):c.1942_1945delinsAAC (p.Leu648fs)

Gene: PALB2 (partner and localizer of BRCA2; minus strand). Cytogenetic location: 16p12.2.
Variant type: Indel.
Coding change: c.1942_1945delinsAAC on transcript NM_024675.4 (MANE Select); coding-DNA positions 1942 to 1945, CTTA replaced by AAC.
Protein change: p.Leu648fs; shifts the reading frame from leucine 648.
Molecular consequence: frameshift variant.
Genome position (GRCh38, 1-based): chr16:23,630,209-23,630,212, TAAG replaced by GTT on the plus strand (CTTA replaced by AAC on the coding strand, the reverse complement: PALB2 is on the minus strand). VCF-style: chr16-23630209-TAAG-GTT. GRCh37 (hg19) VCF-style: chr16-23641530-TAAG-GTT.
Other names: short protein forms L648fs.
Identifiers: ClinVar variation 830153 (VCV000830153.2), dbSNP rs1966863076, ClinGen allele CA916081851.